The following is an entry in ClinVar:

ClinVar aggregate classification (germline): Uncertain significance. Review status: criteria provided, multiple submitters, no conflicts (2 of 4 stars). 2 submissions from 2 submitters: Uncertain significance (2). Last evaluated 2021-09-02.

Conditions:
Congenital myotonia, autosomal recessive form. Also called: myotonia congenita, autosomal recessive; Becker Generalized Myotonia; BECKER DISEASE. Identifiers: Orphanet 614, MedGen C0751360, MONDO:0009715, OMIM 255700.
Congenital myotonia, autosomal dominant form (THD). Also called: THOMSEN DISEASE; Myotonia congenita autosomal dominant. Identifiers: Orphanet 614, MedGen C2936781, MONDO:0008055, OMIM 160800.

Allele frequency attached by ClinVar (database versions not stated): ExAC 0.00002; gnomAD exomes 0.00002; TOPMed 0.00007; gnomAD 0.00008.
gnomAD v4.1: 20 of 1,614,142 alleles (0.0012%); highest among the groups gnomAD compares: African/African-American, 0.013%; no homozygotes.

Submissions (2):

Labcorp Genetics (formerly Invitae), Labcorp
Classification: Uncertain significance for Congenital myotonia, autosomal recessive form; Congenital myotonia, autosomal dominant form. Last evaluated: 2021-09-02. Review status: criteria provided, single submitter. Criteria: Invitae Variant Classification Sherloc (09022015). Collection method: clinical testing. Allele origin: germline.
Comment: This sequence change replaces valine with methionine at codon 213 of the CLCN1 protein (p.Val213Met). The valine residue is moderately conserved and there is a small physicochemical difference between valine and methionine. This variant is present in population databases (rs756755417, ExAC 0.02%). This variant has not been reported in the literature in individuals affected with CLCN1-related conditions. Algorithms developed to predict the effect of missense changes on protein structure and function are either unavailable or do not agree on the potential impact of this missense change (SIFT: "Deleterious"; PolyPhen-2: "Probably Damaging"; Align-GVGD: "Class C0"). In summary, the available evidence is currently insufficient to determine the role of this variant in disease. Therefore, it has been classified as a Variant of Uncertain Significance.

CeGaT Center for Human Genetics Tuebingen
Classification: Uncertain significance. Last evaluated: 2021-06-01. Review status: criteria provided, single submitter. Criteria: CeGaT Center For Human Genetics Tuebingen Variant Classification Criteria Version 2. Collection method: clinical testing. Allele origin: germline. Affected: yes. Observed: 1 variant allele.

NM_000083.3(CLCN1):c.637G>A (p.Val213Met)

Gene: CLCN1 (chloride voltage-gated channel 1; plus strand). Cytogenetic location: 7q34.
Variant type: single nucleotide variant.
Coding change: c.637G>A on transcript NM_000083.3 (MANE Select); coding-DNA position 637, G replaced by A.
Protein change: p.Val213Met; replaces valine 213 with methionine.
Molecular consequence: missense variant. On other transcripts: non-coding transcript variant (1).
Genome position (GRCh38, 1-based): chr7:143,321,789, G>A. VCF-style: chr7-143321789-G-A. GRCh37 (hg19) VCF-style: chr7-143018882-G-A.
Other names: short protein forms V213M.
Identifiers: ClinVar variation 1008856 (VCV001008856.39), dbSNP rs756755417, ClinGen allele CA4537021.
Genomic context (GRCh38, chr7:143,321,789, plus strand): 5'-GAAATGAAGACAATACTTCGTGGGGTTGTCCTGAAGGAATACCTCACAATGAAAGCCTTT[G>A]TGGCCAAGGTTGTCGCCCTGACTGCGGGCCTGGGCAGTGGCATCCCCGTGGGGAAAGAGG-3'
Protein context (NP_000074.3, residues 203-223): LKEYLTMKAF[Val213Met]AKVVALTAGL